The following is an entry in ClinVar:

ClinVar aggregate classification (germline): Uncertain significance. Review status: criteria provided, multiple submitters, no conflicts (2 of 4 stars). 2 submissions from 2 submitters: Uncertain significance (2). Last evaluated 2026-01-22.

Conditions:
Encephalopathy, acute, infection-induced (herpes-specific), susceptibility to, 1. Also called: Herpes simplex encephalitis, susceptibility to, 1. Identifiers: Orphanet 1930, MedGen C2750180, MONDO:0024563, OMIM 610551.

Allele frequency attached by ClinVar (database versions not stated): TOPMed 0.00006; gnomAD exomes 0.00005; gnomAD 0.00008 and 0.00007.
gnomAD v4.1: 85 of 1,614,030 alleles (0.0053%); highest among the groups gnomAD compares: Admixed American, 0.0067%; 1 homozygote.

Submissions (2):

Labcorp Genetics (formerly Invitae), Labcorp
Classification: Uncertain significance for Encephalopathy, acute, infection-induced (herpes-specific), susceptibility to, 1. Last evaluated: 2026-01-22. Review status: criteria provided, single submitter. Criteria: Invitae Variant Classification Sherloc (09022015). Collection method: clinical testing. Allele origin: germline.
Comment: This sequence change replaces valine, which is neutral and non-polar, with leucine, which is neutral and non-polar, at codon 490 of the TLR3 protein (p.Val490Leu). This variant is present in population databases (rs757158320, gnomAD 0.009%). This variant has not been reported in the literature in individuals affected with TLR3-related conditions. ClinVar contains an entry for this variant (Variation ID: 1045374). An algorithm developed to predict the effect of missense changes on protein structure and function (PolyPhen-2) suggests that this variant is likely to be tolerated. In summary, the available evidence is currently insufficient to determine the role of this variant in disease. Therefore, it has been classified as a Variant of Uncertain Significance.

Ambry Genetics
Classification: Uncertain significance. Last evaluated: 2024-03-31. Review status: criteria provided, single submitter. Criteria: Ambry Variant Classification Scheme 2023. Collection method: clinical testing. Allele origin: germline.

NM_003265.3(TLR3):c.1468G>T (p.Val490Leu)

Gene: TLR3 (toll like receptor 3; plus strand). Cytogenetic location: 4q35.1.
Variant type: single nucleotide variant.
Coding change: c.1468G>T on transcript NM_003265.3 (MANE Select); coding-DNA position 1468, G replaced by T.
Protein change: p.Val490Leu; replaces valine 490 with leucine.
Molecular consequence: missense variant.
Genome position (GRCh38, 1-based): chr4:186,083,154, G>T. VCF-style: chr4-186083154-G-T. GRCh37 (hg19) VCF-style: chr4-187004308-G-T.
Other names: c.1468G>T (NM_003265.2); short protein forms V490L.
Identifiers: ClinVar variation 1045374 (VCV001045374.10), dbSNP rs757158320, ClinGen allele CA3161413.